The following is an entry in ClinVar:

NM_024105.4(ALG12):c.1299C>T (p.Leu433=)

Gene: ALG12 (ALG12 alpha-1,6-mannosyltransferase; minus strand). Cytogenetic location: 22q13.33.
Variant type: single nucleotide variant.
Coding change: c.1299C>T on transcript NM_024105.4 (MANE Select); coding-DNA position 1299, C replaced by T.
Protein change: p.Leu433=; no amino-acid change (leucine 433 retained).
Molecular consequence: synonymous variant.
Genome position (GRCh38, 1-based): chr22:49,904,006, G>A on the plus strand (C>T on the coding strand, the complement: ALG12 is on the minus strand). VCF-style: chr22-49904006-G-A. GRCh37 (hg19) VCF-style: chr22-50297654-G-A.
Identifiers: ClinVar variation 342043 (VCV000342043.18), dbSNP rs150614794, ClinGen allele CA10300252.
Genomic context (GRCh38, chr22:49,904,006, plus strand): 5'-GCTGGCCAGGACCCGGTGTGTGTCCCTGTAGAGGGCCAGGAGCCCAGGGGCCGCCTCCAT[G>A]AGGATGTGTGTGTATGCCAGCATGCCTGTCCCCGGCTGCACATCCTCCCTCTTGTCGTAC-3'
Protein context (NP_077010.1, residues 423-443): GTGMLAYTHI[Leu433=]MEAAPGLLAL

ClinVar aggregate classification (germline): Conflicting classifications of pathogenicity. Review status: criteria provided, conflicting classifications (1 of 4 stars). 3 submissions from 3 submitters: Uncertain significance (1); Likely benign (1). 1 of the submissions does not count toward it. Last evaluated 2026-02-02.

Conditions:
ALG12-related disorder. Also called: ALG12-related condition.
ALG12-congenital disorder of glycosylation (CDG1G). Also called: CDG Ig; Congenital disorder of glycosylation, type Ig; ALG12-CDG. Identifiers: Orphanet 79324, MedGen C2931001, MONDO:0011783, OMIM 607143.

Allele frequency attached by ClinVar (database versions not stated): gnomAD exomes 0.00008 and 0.00020; ExAC 0.00024; gnomAD 0.00077 and 0.00083; TOPMed 0.00094; ESP Exome Variant Server 0.00100; 1000 Genomes Project 30x 0.00109; 1000 Genomes Project 0.00120.
gnomAD v4.1: 248 of 1,614,198 alleles (0.015%); highest among the groups gnomAD compares: African/African-American, 0.26%; 1 homozygote.

Submissions (3):

Labcorp Genetics (formerly Invitae), Labcorp
Classification: Likely benign for ALG12-congenital disorder of glycosylation. Last evaluated: 2026-02-02. Review status: criteria provided, single submitter. Criteria: Invitae Variant Classification Sherloc (09022015). Collection method: clinical testing. Allele origin: germline.

Illumina Laboratory Services, Illumina
Classification: Uncertain significance for ALG12-congenital disorder of glycosylation. Last evaluated: 2018-01-13. Review status: criteria provided, single submitter. Criteria: ICSL Variant Classification Criteria 13 December 2019. Collection method: clinical testing. Allele origin: germline.

PreventionGenetics, part of Exact Sciences
Classification: Likely benign for ALG12-related condition. Last evaluated: 2020-12-16. Review status: no assertion criteria provided. Collection method: clinical testing. Allele origin: germline. Not counted in ClinVar's aggregate classification.
Comment: This variant is classified as likely benign based on ACMG/AMP sequence variant interpretation guidelines (Richards et al. 2015 PMID: 25741868, with internal and published modifications).